The following is an entry in ClinVar:

ClinVar aggregate classification (germline): Benign/Likely benign. Review status: criteria provided, multiple submitters, no conflicts (2 of 4 stars). 2 submissions from 2 submitters: Benign (1); Likely benign (1). Last evaluated 2024-12-27.

Conditions:
Lynch syndrome 5 (LYNCH5). Also called: Hereditary non-polyposis colorectal cancer, type 5; Colorectal cancer, hereditary nonpolyposis, type 5. Identifiers: Orphanet 144, MedGen C1833477, MONDO:0013710, OMIM 614350. Disease mechanism: loss of function.
Hereditary cancer-predisposing syndrome. Also called: Tumor predisposition; Hereditary Cancer Syndrome; Hereditary neoplastic syndrome; Neoplastic Syndromes, Hereditary. Identifiers: Orphanet 140162, MedGen C0027672, MeSH D009386, MONDO:0015356.

Submissions (2):

Myriad Genetics, Inc.
Classification: Benign for Lynch syndrome 5. Last evaluated: 2024-12-27. Review status: criteria provided, single submitter. Criteria: Myriad Autosomal Dominant, Autosomal Recessive and X-Linked Classification Criteria (2023). Collection method: clinical testing. Allele origin: unknown.
Comment: This variant is considered benign. This variant is a silent/synonymous amino acid change and it is not expected to impact splicing.

Ambry Genetics
Classification: Likely benign for Hereditary cancer-predisposing syndrome. Last evaluated: 2024-04-29. Review status: criteria provided, single submitter. Criteria: Ambry Variant Classification Scheme 2023. Collection method: clinical testing. Allele origin: germline.

NM_000179.3(MSH6):c.1740G>C (p.Ser580=)

Gene: MSH6 (mutS homolog 6; plus strand). Cytogenetic location: 2p16.3.
Variant type: single nucleotide variant.
Coding change: c.1740G>C on transcript NM_000179.3 (MANE Select); coding-DNA position 1740, G replaced by C.
Protein change: p.Ser580=; no amino-acid change (serine 580 retained).
Molecular consequence: synonymous variant. On other transcripts: non-coding transcript variant (4), intron variant (2).
Genome position (GRCh38, 1-based): chr2:47,799,723, G>C. VCF-style: chr2-47799723-G-C. GRCh37 (hg19) VCF-style: chr2-48026862-G-C.
Other names: c.1350G>C, p.Ser450= (NM_001281492.2); c.834G>C, p.Ser278= (NM_001281493.2, NM_001281494.2, NM_001406811.1 and 6 more transcripts); c.1836G>C, p.Ser612= (NM_001406795.1, NM_001406802.1); c.1740G>C, p.Ser580= (NM_001406796.1, NM_001406798.1, NM_001406800.1 and 3 more transcripts); c.1443G>C, p.Ser481= (NM_001406797.1, NM_001406801.1, NM_001406805.1 and 10 more transcripts); c.1215G>C, p.Ser405= (NM_001406799.1, NM_001406806.1, NM_001406807.1); c.1662G>C, p.Ser554= (NM_001406804.1); c.1746G>C, p.Ser582= (NM_001406813.1); and 3 more.
Identifiers: ClinVar variation 3296391 (VCV003296391.2).